The following is an entry in ClinVar:

ClinVar aggregate classification (germline): Pathogenic (1 of 4 stars; one submission).

Conditions:
Epilepsy, familial focal, with variable foci 3 (FFEVF3). Identifiers: MedGen C4310708, MONDO:0014925, OMIM 617118.

Submission:

Labcorp Genetics (formerly Invitae), Labcorp
Classification: Pathogenic for Epilepsy, familial focal, with variable foci 3. Last evaluated: 2021-12-02. Review status: criteria provided, single submitter. Criteria: Invitae Variant Classification Sherloc (09022015). Collection method: clinical testing. Allele origin: germline.
Comment: This variant has not been reported in the literature in individuals affected with NPRL3-related conditions. This variant is a gross deletion of the genomic region encompassing exon(s) 2-6 of the NPRL3 gene, which includes the initiator codon. This deletion extends beyond the assayed region for this gene and therefore may encompass additional genes. It is expected to result in an absent or disrupted protein product. Loss-of-function variants in NPRL3 are known to be pathogenic (PMID: 26285051, 26505888). For these reasons, this variant has been classified as Pathogenic.

Literature cited by the submitters: PubMed 26285051; PubMed 26505888.

NC_000016.9:g.(?_162601)_(188266_?)del

Gene: NPRL3 (NPR3 like, GATOR1 complex subunit; minus strand). Cytogenetic location: 16p13.3.
Variant type: Deletion.
Identifiers: ClinVar variation 1457734 (VCV001457734.5).